The following is an entry in ClinVar:

ClinVar aggregate classification (germline): Conflicting classifications of pathogenicity. Review status: criteria provided, conflicting classifications (1 of 4 stars). 3 submissions from 3 submitters: Uncertain significance (2); Likely benign (1). Last evaluated 2025-09-04.

Conditions:
Neonatal-onset encephalopathy with rigidity and seizures. Also called: Lethal neonatal spasticity-epileptic encephalopathy syndrome. Identifiers: Orphanet 435845, MedGen C3281029, MONDO:0013784, OMIM 614498.
Inborn genetic diseases. Identifiers: MedGen C0950123, MeSH D030342.

Allele frequency attached by ClinVar (database versions not stated): gnomAD exomes below 0.00001 and 0.00002; ExAC 0.00004; ESP Exome Variant Server 0.00008; gnomAD 0.00009; TOPMed 0.00012.

Submissions (3):

Ambry Genetics
Classification: Uncertain significance for Inborn genetic diseases. Last evaluated: 2025-09-04. Review status: criteria provided, single submitter. Criteria: Ambry Variant Classification Scheme 2023. Collection method: clinical testing. Allele origin: germline.

GeneDx
Classification: Uncertain significance. Last evaluated: 2025-03-08. Review status: criteria provided, single submitter. Criteria: GeneDx Variant Classification Process June 2021. Collection method: clinical testing. Allele origin: germline. Affected: yes.
Comment: In silico analysis indicates that this missense variant does not alter protein structure/function; In silico analysis suggests this variant may impact gene splicing. In the absence of RNA/functional studies, the actual effect of this sequence change is unknown.; Has not been previously published as pathogenic or benign to our knowledge

Labcorp Genetics (formerly Invitae), Labcorp
Classification: Likely benign for Neonatal-onset encephalopathy with rigidity and seizures. Last evaluated: 2025-02-26. Review status: criteria provided, single submitter. Criteria: Invitae Variant Classification Sherloc (09022015). Collection method: clinical testing. Allele origin: germline.

NM_152743.4(BRAT1):c.1656G>C (p.Gln552His)

Gene: BRAT1 (BRCA1 associated ATM activator 1; minus strand). Cytogenetic location: 7p22.3.
Variant type: single nucleotide variant.
Coding change: c.1656G>C on transcript NM_152743.4 (MANE Select); coding-DNA position 1656, G replaced by C.
Protein change: p.Gln552His; replaces glutamine 552 with histidine.
Molecular consequence: missense variant. On other transcripts: non-coding transcript variant (1).
Genome position (GRCh38, 1-based): chr7:2,539,293, C>G on the plus strand (G>C on the coding strand, the complement: BRAT1 is on the minus strand). VCF-style: chr7-2539293-C-G. GRCh37 (hg19) VCF-style: chr7-2578927-C-G.
Other names: c.1656G>C, p.Gln552His (NM_001350626.2); c.1131G>C, p.Gln377His (NM_001350627.2); short protein forms Q552H, Q377H.
Identifiers: ClinVar variation 472949 (VCV000472949.12), dbSNP rs376177219, ClinGen allele CA4127635.